The following is an entry in ClinVar:

ClinVar aggregate classification (germline): Uncertain significance (1 of 4 stars; one submission).

Allele frequency attached by ClinVar (database versions not stated): gnomAD exomes below 0.00001.
gnomAD v4.1: 1 of 1,608,832 alleles (0.000062%); highest among the groups gnomAD compares: African/African-American, 0.0013%; no homozygotes.

Submission:

Greenwood Genetic Center Diagnostic Laboratories, Greenwood Genetic Center
Classification: Uncertain significance. Last evaluated: 2023-04-24. Review status: criteria provided, single submitter. Criteria: ACMG Guidelines, 2015. Collection method: clinical testing. Allele origin: germline. Affected: yes.
Comment: Gene of Uncertain Significance

NM_013403.3(STRN4):c.737+1G>C

Gene: STRN4 (striatin 4; minus strand). Cytogenetic location: 19q13.32.
Variant type: single nucleotide variant.
Coding change: c.737+1G>C on transcript NM_013403.3 (MANE Select); the canonical splice donor site of the intron after coding-DNA position 737, G replaced by C.
Molecular consequence: splice donor variant.
Genome position (GRCh38, 1-based): chr19:46,733,038, C>G on the plus strand (G>C on the coding strand, the complement: STRN4 is on the minus strand). VCF-style: chr19-46733038-C-G. GRCh37 (hg19) VCF-style: chr19-47236295-C-G.
Other names: c.737+1G>C (NM_001039877.2).
Identifiers: ClinVar variation 2572362 (VCV002572362.1), dbSNP rs2513875126, ClinGen allele CA406487584.
Genomic context (GRCh38, chr19:46,733,038, plus strand): 5'-CTGGCCTTCACCAGCAGTCAGGAGGAACAGAGAGACACACCTGCCATGTCCACGGGCTCA[C>G]CTCTTTATCTGCTCCTCGATCTGTTTCACCAGCAGCGACTCCCCACCACTGAGCCCTGCA-3'